The following is an entry in ClinVar:

ClinVar aggregate classification (germline): Uncertain significance. Review status: criteria provided, multiple submitters, no conflicts (2 of 4 stars). 2 submissions from 2 submitters: Uncertain significance (2). Last evaluated 2022-02-08.

Conditions:
Occult macular dystrophy (OCMD). Also called: OMD; OCCULT MACULAR DYSTROPHY, SUSCEPTIBILITY TO. Identifiers: Orphanet 247834, MedGen C3150833, MONDO:0013316, OMIM 613587, HP:0030636.
Retinitis pigmentosa 88. Identifiers: MedGen C5394208, MONDO:0032940, OMIM 618826.

Allele frequency attached by ClinVar (database versions not stated): ExAC 0.00001; gnomAD exomes 0.00002; TOPMed 0.00003.
gnomAD v4.1: 22 of 1,613,878 alleles (0.0014%); highest among the groups gnomAD compares: South Asian, 0.011%; no homozygotes.

Submissions (2):

Labcorp Genetics (formerly Invitae), Labcorp
Classification: Uncertain significance. Last evaluated: 2022-02-08. Review status: criteria provided, single submitter. Criteria: Invitae Variant Classification Sherloc (09022015). Collection method: clinical testing. Allele origin: germline.
Comment: In summary, the available evidence is currently insufficient to determine the role of this variant in disease. Therefore, it has been classified as a Variant of Uncertain Significance. Advanced modeling of protein sequence and biophysical properties (such as structural, functional, and spatial information, amino acid conservation, physicochemical variation, residue mobility, and thermodynamic stability) performed at Invitae indicates that this missense variant is not expected to disrupt RP1L1 protein function. This variant has not been reported in the literature in individuals affected with RP1L1-related conditions. This variant is present in population databases (rs781222519, gnomAD 0.007%). This sequence change replaces arginine, which is basic and polar, with cysteine, which is neutral and slightly polar, at codon 136 of the RP1L1 protein (p.Arg136Cys).

Department of Pathology and Laboratory Medicine, Sinai Health System
Classification: Uncertain significance for Occult macular dystrophy; Retinitis pigmentosa 88. Last evaluated: 2021-07-30. Review status: criteria provided, single submitter. Criteria: ACMG Guidelines, 2015. Collection method: research. Allele origin: germline.

NM_178857.6(RP1L1):c.406C>T (p.Arg136Cys)

Gene: RP1L1 (RP1 like 1). Cytogenetic location: 8p23.1.
Variant type: single nucleotide variant.
Coding change: c.406C>T on transcript NM_178857.6 (MANE Select); coding-DNA position 406, C replaced by T.
Protein change: p.Arg136Cys; replaces arginine 136 with cysteine.
Molecular consequence: missense variant.
Genome position (GRCh38, 1-based): chr8:10,622,796, G>A on the plus strand (C>T on the coding strand, the complement: RP1L1 is on the minus strand). VCF-style: chr8-10622796-G-A. GRCh37 (hg19) VCF-style: chr8-10480306-G-A.
Other names: short protein forms R136C.
Identifiers: ClinVar variation 1354404 (VCV001354404.9), dbSNP rs781222519, ClinGen allele CA4625720.